The following is an entry in ClinVar:

NM_144498.4(OSBPL2):c.1376C>T (p.Thr459Ile)

Gene: OSBPL2 (oxysterol binding protein like 2; plus strand). Cytogenetic location: 20q13.33.
Variant type: single nucleotide variant.
Coding change: c.1376C>T on transcript NM_144498.4 (MANE Select); coding-DNA position 1376, C replaced by T.
Protein change: p.Thr459Ile; replaces threonine 459 with isoleucine.
Molecular consequence: missense variant.
Genome position (GRCh38, 1-based): chr20:62,293,820, C>T. VCF-style: chr20-62293820-C-T. GRCh37 (hg19) VCF-style: chr20-60868876-C-T.
Other names: c.976C>T, p.Pro326Ser (NM_001278649.3); c.1100C>T, p.Thr367Ile (NM_001363878.2); c.1340C>T, p.Thr447Ile (NM_014835.5); short protein forms T447I, T367I, T459I, P326S.
Identifiers: ClinVar variation 3688065 (VCV003688065.2).

ClinVar aggregate classification (germline): Uncertain significance (1 of 4 stars; one submission).

Submission:

Labcorp Genetics (formerly Invitae), Labcorp
Classification: Uncertain significance. Last evaluated: 2024-08-28. Review status: criteria provided, single submitter. Criteria: Invitae Variant Classification Sherloc (09022015). Collection method: clinical testing. Allele origin: germline.
Comment: This sequence change replaces threonine, which is neutral and polar, with isoleucine, which is neutral and non-polar, at codon 459 of the OSBPL2 protein (p.Thr459Ile). This variant is not present in population databases (gnomAD no frequency). This variant has not been reported in the literature in individuals affected with OSBPL2-related conditions. An algorithm developed to predict the effect of missense changes on protein structure and function (PolyPhen-2) suggests that this variant is likely to be disruptive. In summary, the available evidence is currently insufficient to determine the role of this variant in disease. Therefore, it has been classified as a Variant of Uncertain Significance.